The following is an entry in ClinVar:

NM_001848.3(COL6A1):c.1822+88A>G

Gene: COL6A1 (collagen type VI alpha 1 chain; plus strand). Cytogenetic location: 21q22.3.
Variant type: single nucleotide variant.
Coding change: c.1822+88A>G on transcript NM_001848.3 (MANE Select); 88 bases into the intron after coding-DNA position 1822, A replaced by G.
Molecular consequence: intron variant.
Genome position (GRCh38, 1-based): chr21:46,000,855, A>G. VCF-style: chr21-46000855-A-G. GRCh37 (hg19) VCF-style: chr21-47420769-A-G.
Identifiers: ClinVar variation 93835 (VCV000093835.6), dbSNP rs7276782, ClinGen allele CA147348.

ClinVar aggregate classification (germline): Benign. Review status: criteria provided, multiple submitters, no conflicts (2 of 4 stars). 3 submissions from 3 submitters: Benign (3). Last evaluated 2018-06-14.

Allele frequency attached by ClinVar (database versions not stated): gnomAD exomes 0.85795; ESP Exome Variant Server 0.86049; 1000 Genomes Project 0.86741; 1000 Genomes Project 30x 0.87086; TOPMed 0.87893; gnomAD 0.88358.
gnomAD v4.1: 1,299,357 of 1,512,034 alleles (86%); highest among the groups gnomAD compares: Admixed American, 92%; 559,228 homozygotes.

Submissions (3):

GeneDx
Classification: Benign. Last evaluated: 2018-06-14. Review status: criteria provided, single submitter. Criteria: GeneDx Variant Classification (06012015). Collection method: clinical testing. Allele origin: germline. Affected: yes.
Comment: This variant is considered likely benign or benign based on one or more of the following criteria: it is a conservative change, it occurs at a poorly conserved position in the protein, it is predicted to be benign by multiple in silico algorithms, and/or has population frequency not consistent with disease.

Eurofins Ntd Llc (ga)
Classification: Benign. Last evaluated: 2012-08-24. Review status: criteria provided, single submitter. Criteria: EGL Classification Definitions 2015. Collection method: clinical testing. Allele origin: germline. Observed: 1 variant allele, 1 heterozygote.

Breakthrough Genomics
Classification: Benign. Review status: criteria provided, single submitter. Criteria: ACMG Guidelines, 2015. Collection method: not provided. Allele origin: germline. Inheritance: Autosomal recessive inheritance. Affected: yes.